The following is an entry in ClinVar:

ClinVar aggregate classification (germline): Uncertain significance. Review status: criteria provided, multiple submitters, no conflicts (2 of 4 stars). 5 submissions from 5 submitters: Uncertain significance (5). Last evaluated 2024-04-30.

Conditions:
Hereditary cancer-predisposing syndrome. Also called: Hereditary neoplastic syndrome; Neoplastic Syndromes, Hereditary; Tumor predisposition; Hereditary Cancer Syndrome. Identifiers: Orphanet 140162, MedGen C0027672, MeSH D009386, MONDO:0015356.
Familial adenomatous polyposis 1 (FAP1). Also called: POLYPOSIS, ADENOMATOUS INTESTINAL; FAMILIAL ADENOMATOUS POLYPOSIS 1, ATTENUATED. Identifiers: MedGen C2713442, MONDO:0021056, OMIM 175100. Disease mechanism: loss of function.

Submissions (5):

Labcorp Genetics (formerly Invitae), Labcorp
Classification: Uncertain significance for Familial adenomatous polyposis 1. Last evaluated: 2024-04-30. Review status: criteria provided, single submitter. Criteria: Invitae Variant Classification Sherloc (09022015). Collection method: clinical testing. Allele origin: germline.
Comment: This sequence change replaces glycine, which is neutral and non-polar, with valine, which is neutral and non-polar, at codon 471 of the APC protein (p.Gly471Val). This variant is not present in population databases (gnomAD no frequency). This variant has not been reported in the literature in individuals affected with APC-related conditions. ClinVar contains an entry for this variant (Variation ID: 469706). Advanced modeling of protein sequence and biophysical properties (such as structural, functional, and spatial information, amino acid conservation, physicochemical variation, residue mobility, and thermodynamic stability) performed at Invitae indicates that this missense variant is not expected to disrupt APC protein function with a negative predictive value of 95%. In summary, the available evidence is currently insufficient to determine the role of this variant in disease. Therefore, it has been classified as a Variant of Uncertain Significance.

Ambry Genetics
Classification: Uncertain significance for Hereditary cancer-predisposing syndrome. Last evaluated: 2024-02-16. Review status: criteria provided, single submitter. Criteria: Ambry Variant Classification Scheme 2023. Collection method: clinical testing. Allele origin: germline.
Comment: The p.G471V variant (also known as c.1412G>T), located in coding exon 11 of the APC gene, results from a G to T substitution at nucleotide position 1412. The glycine at codon 471 is replaced by valine, an amino acid with dissimilar properties. This amino acid position is highly conserved in available vertebrate species. In addition, in silico predictors for this gene do not accurately predict pathogenicity. Since supporting evidence is limited at this time, the clinical significance of this alteration remains unclear.

Baylor Genetics
Classification: Uncertain significance for Familial adenomatous polyposis 1. Last evaluated: 2023-09-15. Review status: criteria provided, single submitter. Criteria: ACMG Guidelines, 2015. Collection method: clinical testing. Allele origin: unknown.

Quest Diagnostics Nichols Institute San Juan Capistrano
Classification: Uncertain significance. Last evaluated: 2023-02-06. Review status: criteria provided, single submitter. Criteria: Quest Diagnostics criteria. Collection method: clinical testing. Allele origin: unknown.
Comment: To the best of our knowledge, the variant has not been reported in the published literature. It also has not been reported in large, multi-ethnic general populations. Analysis of this variant using bioinformatics tools for the prediction of the effect of amino acid changes on protein structure and function yielded predictions that this variant is damaging. Based on the available information, we are unable to determine the clinical significance of this variant.

Women's Health and Genetics/Laboratory Corporation of America, LabCorp
Classification: Uncertain significance. Last evaluated: 2022-03-14. Review status: criteria provided, single submitter. Criteria: LabCorp Variant Classification Summary - May 2015. Collection method: clinical testing. Allele origin: germline.
Comment: Variant summary: APC c.1412G>T (p.Gly471Val) results in a non-conservative amino acid change in the encoded protein sequence. Four of five in-silico tools predict a damaging effect of the variant on protein function. The variant was absent in 251064 control chromosomes (gnomAD). The available data on variant occurrences in the general population are insufficient to allow any conclusion about variant significance. To our knowledge, no occurrence of c.1412G>T in individuals affected with Familial Adenomatous Polyposis and no experimental evidence demonstrating its impact on protein function have been reported. Two clinical diagnostic laboratories have submitted clinical-significance assessments for this variant to ClinVar after 2014 and all classified the variant as uncertain significance. Based on the evidence outlined above, the variant was classified as uncertain significance.

NM_000038.6(APC):c.1412G>T (p.Gly471Val)

Gene: APC (APC regulator of Wnt signaling pathway; plus strand). Cytogenetic location: 5q22.2.
Variant type: single nucleotide variant.
Coding change: c.1412G>T on transcript NM_000038.6 (MANE Select); coding-DNA position 1412, G replaced by T.
Protein change: p.Gly471Val; replaces glycine 471 with valine.
Molecular consequence: missense variant.
Genome position (GRCh38, 1-based): chr5:112,827,111, G>T. VCF-style: chr5-112827111-G-T. GRCh37 (hg19) VCF-style: chr5-112162808-G-T.
Other names: c.1328G>T, p.Gly443Val (NM_001354899.2); c.1289G>T, p.Gly430Val (NM_001354900.2); c.1235G>T, p.Gly412Val (NM_001354901.2); c.1412G>T, p.Gly471Val (NM_001127510.3, NM_001354895.2); c.1358G>T, p.Gly453Val (NM_001127511.3); c.1466G>T, p.Gly489Val (NM_001354896.2); c.1442G>T, p.Gly481Val (NM_001354897.2); c.1337G>T, p.Gly446Val (NM_001354898.2); and 5 more; short protein forms G453V, G471V, G412V, G430V, G188V, G311V, G443V, G489V.
Identifiers: ClinVar variation 469706 (VCV000469706.16), dbSNP rs1191271600, ClinGen allele CA16024402.